The following is an entry in ClinVar:

NM_006231.4(POLE):c.3480dup (p.Val1161fs)

Gene: POLE (DNA polymerase epsilon, catalytic subunit; minus strand). Cytogenetic location: 12q24.33.
Variant type: Duplication.
Coding change: c.3480dup on transcript NM_006231.4 (MANE Select); coding-DNA position 3480, one base duplicated (T; older notation c.3480dupT).
Protein change: p.Val1161fs; shifts the reading frame from valine 1161.
Molecular consequence: frameshift variant.
Genome position (GRCh38, 1-based): chr12:132,657,238, A duplicated on the plus strand (T on the coding strand, the reverse complement: POLE is on the minus strand). VCF-style (leftmost placement, unchanged base first): chr12-132657237-C-CA. GRCh37 (hg19) VCF-style: chr12-133233823-C-CA.
Other names: short protein forms V1161fs.
Identifiers: ClinVar variation 4712955 (VCV004712955.1).
Genomic context (GRCh38, chr12:132,657,237, plus strand): 5'-TCTGCTTGTAGACATCATTCTTCTCCAGCAGTTTTTTGTGCAGCCAGTCGGGGTGTTTGA[C>CA]ACGTGGCACTGGGTTCTTTACCTGTGTGAGGCCAACACCCATCAGAGAGAGACCCTTGTC-3'

ClinVar aggregate classification (germline): Pathogenic (1 of 4 stars; one submission).

Submission:

Labcorp Genetics (formerly Invitae), Labcorp
Classification: Pathogenic. Last evaluated: 2025-02-12. Review status: criteria provided, single submitter. Criteria: Invitae Variant Classification Sherloc (09022015). Collection method: clinical testing. Allele origin: germline.
Comment: This sequence change creates a premature translational stop signal (p.Val1161Cysfs*16) in the POLE gene. It is expected to result in an absent or disrupted protein product. Loss-of-function variants in POLE are known to be pathogenic (PMID: 23230001, 25948378, 30503519). This variant is not present in population databases (gnomAD no frequency). This variant has not been reported in the literature in individuals affected with POLE-related conditions. For these reasons, this variant has been classified as Pathogenic.

Literature cited by the submitters: PubMed 23230001; PubMed 25948378; PubMed 30503519.